The following is an entry in ClinVar:

NM_007317.3(KIF22):c.256C>G (p.Leu86Val)

Gene: KIF22 (kinesin family member 22; plus strand). Cytogenetic location: 16p11.2.
Variant type: single nucleotide variant.
Coding change: c.256C>G on transcript NM_007317.3 (MANE Select); coding-DNA position 256, C replaced by G.
Protein change: p.Leu86Val; replaces leucine 86 with valine.
Molecular consequence: missense variant.
Genome position (GRCh38, 1-based): chr16:29,797,078, C>G. VCF-style: chr16-29797078-C-G. GRCh37 (hg19) VCF-style: chr16-29808399-C-G.
Other names: c.52C>G, p.Leu18Val (NM_001256269.2, NM_001256270.1); short protein forms L18V, L86V.
Identifiers: ClinVar variation 2997707 (VCV002997707.3), dbSNP rs752489717, ClinGen allele CA7992934.

ClinVar aggregate classification (germline): Uncertain significance (1 of 4 stars; one submission).

Allele frequency attached by ClinVar (database versions not stated): TOPMed 0.00002; gnomAD 0.00004; ExAC 0.00001.
gnomAD v4.1: 8 of 1,587,258 alleles (0.0005%); highest among the groups gnomAD compares: African/African-American, 0.011%; no homozygotes.

Submission:

Labcorp Genetics (formerly Invitae), Labcorp
Classification: Uncertain significance. Last evaluated: 2025-12-03. Review status: criteria provided, single submitter. Criteria: Invitae Variant Classification Sherloc (09022015). Collection method: clinical testing. Allele origin: germline.
Comment: This sequence change replaces leucine, which is neutral and non-polar, with valine, which is neutral and non-polar, at codon 86 of the KIF22 protein (p.Leu86Val). This variant is present in population databases (rs752489717, gnomAD 0.02%). This variant has not been reported in the literature in individuals affected with KIF22-related conditions. ClinVar contains an entry for this variant (Variation ID: 2997707). Invitae Evidence Modeling of protein sequence and biophysical properties (such as structural, functional, and spatial information, amino acid conservation, physicochemical variation, residue mobility, and thermodynamic stability) indicates that this missense variant is not expected to disrupt KIF22 protein function with a negative predictive value of 80%. In summary, the available evidence is currently insufficient to determine the role of this variant in disease. Therefore, it has been classified as a Variant of Uncertain Significance.